The following is an entry in ClinVar:

NM_001320.7(CSNK2B):c.323A>G (p.Tyr108Cys)

Gene: CSNK2B (casein kinase 2 beta; plus strand). Cytogenetic location: 6p21.33.
Variant type: single nucleotide variant.
Coding change: c.323A>G on transcript NM_001320.7 (MANE Select); coding-DNA position 323, A replaced by G.
Protein change: p.Tyr108Cys; replaces tyrosine 108 with cysteine.
Molecular consequence: missense variant.
Genome position (GRCh38, 1-based): chr6:31,669,128, A>G. VCF-style: chr6-31669128-A-G. GRCh37 (hg19) VCF-style: chr6-31636905-A-G.
Other names: c.323A>G, p.Tyr108Cys (NM_001282385.2); short protein forms Y108C.
Identifiers: ClinVar variation 3901928 (VCV003901928.3).
Genomic context (GRCh38, chr6:31,669,128, plus strand): 5'-GCCAACCCCTTCCATTGTATTCACCTCAGTTGGAAAAGTACCAGCAAGGAGACTTTGGTT[A>G]CTGTCCTCGTGTGTACTGTGAGAACCAGCCAATGCTTCCCATTGGTGAGTGTTGAAGAAG-3'
Protein context (NP_001311.3, residues 98-118): LEKYQQGDFG[Tyr108Cys]CPRVYCENQP

ClinVar aggregate classification (germline): Uncertain significance. Review status: criteria provided, multiple submitters, no conflicts (2 of 4 stars). 2 submissions from 2 submitters: Uncertain significance (2). Last evaluated 2024-10-21.

Conditions:
Poirier-Bienvenu neurodevelopmental syndrome (POBINDS). Identifiers: Orphanet 689397, MedGen C5231482, MONDO:0032889, OMIM 618732.

Submissions (2):

Dasa
Classification: Uncertain significance. Last evaluated: 2024-10-21. Review status: criteria provided, single submitter. Criteria: DASA Assertion Criteria. Collection method: clinical testing. Allele origin: germline.
Comment: NM_001320.7(CSNK2B):c.323A>G (p.Tyr108Cys) is a missense variant that results in the substitution of tyrosine with cysteine. This variant is absent from population databases. Computational prediction algorithms are consistent with a benign effect. The currently available literature and clinical evidence are not sufficient to establish a definitive association between this variant and the reported condition. Therefore, this variant is classified as a variant of uncertain significance.

Laboratorio de Genetica e Diagnostico Molecular, Hospital Israelita Albert Einstein
Classification: Uncertain significance for Poirier-Bienvenu neurodevelopmental syndrome. Last evaluated: 2024-07-07. Review status: criteria provided, single submitter. Criteria: ACMG Guidelines, 2015. Collection method: clinical testing. Allele origin: germline. Affected: yes.
Comment: ACMG classification criteria: PM2 supporting, PP2 supporting, BP4 supporting